The following is an entry in ClinVar:

NM_007194.4(CHEK2):c.1375+5G>A

Gene: CHEK2 (checkpoint kinase 2; minus strand). Cytogenetic location: 22q12.1.
Variant type: single nucleotide variant.
Coding change: c.1375+5G>A on transcript NM_007194.4 (MANE Select); 5 bases into the intron after coding-DNA position 1375, G replaced by A.
Molecular consequence: intron variant.
Genome position (GRCh38, 1-based): chr22:28,695,122, C>T on the plus strand (G>A on the coding strand, the complement: CHEK2 is on the minus strand). VCF-style: chr22-28695122-C-T. GRCh37 (hg19) VCF-style: chr22-29091110-C-T.
Other names: c.712+5G>A (NM_001437942.1, NM_001257387.3); c.1174+5G>A (NM_001349956.3); c.1288+5G>A (NM_145862.3); c.1381+5G>A (NM_001438295.1); c.1468+5G>A (NM_001438293.1); c.1417+5G>A (NM_001438294.1); c.1504+5G>A (NM_001005735.3).
Identifiers: ClinVar variation 3639823 (VCV003639823.3).

ClinVar aggregate classification (germline): Uncertain significance. Review status: criteria provided, multiple submitters, no conflicts (2 of 4 stars). 2 submissions from 2 submitters: Uncertain significance (2). Last evaluated 2025-05-30.

Conditions:
Hereditary cancer-predisposing syndrome. Also called: Hereditary neoplastic syndrome; Tumor predisposition; Hereditary Cancer Syndrome; Neoplastic Syndromes, Hereditary. Identifiers: Orphanet 140162, MedGen C0027672, MeSH D009386, MONDO:0015356.
Familial cancer of breast. Also called: hereditary breast carcinoma; Hereditary breast cancer; BREAST CANCER, FAMILIAL. Identifiers: Orphanet 227535, MedGen C0346153, MONDO:0016419, OMIM 114480. Disease mechanism: loss of function.

Submissions (2):

Ambry Genetics
Classification: Uncertain significance for Hereditary cancer-predisposing syndrome. Last evaluated: 2025-05-30. Review status: criteria provided, single submitter. Criteria: Ambry Variant Classification Scheme 2023. Collection method: clinical testing. Allele origin: germline.
Comment: The c.1375+5G>A intronic variant results from a G to A substitution 5 nucleotides after coding exon 11 in the CHEK2 gene. This nucleotide position is highly conserved in available vertebrate species. In silico splice site analysis predicts that this alteration will not have any significant effect on splicing. Based on the available evidence, the clinical significance of this variant remains unclear.

Labcorp Genetics (formerly Invitae), Labcorp
Classification: Uncertain significance for Familial cancer of breast. Last evaluated: 2024-02-12. Review status: criteria provided, single submitter. Criteria: Invitae Variant Classification Sherloc (09022015). Collection method: clinical testing. Allele origin: germline.
Comment: This sequence change falls in intron 12 of the CHEK2 gene. It does not directly change the encoded amino acid sequence of the CHEK2 protein. It affects a nucleotide within the consensus splice site. This variant is not present in population databases (gnomAD no frequency). This variant has not been reported in the literature in individuals affected with CHEK2-related conditions. Variants that disrupt the consensus splice site are a relatively common cause of aberrant splicing (PMID: 17576681, 9536098). Algorithms developed to predict the effect of sequence changes on RNA splicing suggest that this variant is not likely to affect RNA splicing. In summary, the available evidence is currently insufficient to determine the role of this variant in disease. Therefore, it has been classified as a Variant of Uncertain Significance.

Literature cited by the submitters: PubMed 17576681 (cited by Labcorp Genetics (formerly Invitae), Labcorp); PubMed 9536098 (cited by Labcorp Genetics (formerly Invitae), Labcorp).